The following is an entry in ClinVar:

NM_014476.6(PDLIM3):c.663-279A>G

Gene: PDLIM3 (PDZ and LIM domain 3; minus strand). Cytogenetic location: 4q35.1.
Variant type: single nucleotide variant.
Coding change: c.663-279A>G on transcript NM_014476.6 (MANE Select); 279 bases into the intron before coding-DNA position 663, A replaced by G.
Molecular consequence: intron variant.
Genome position (GRCh38, 1-based): chr4:185,506,931, T>C on the plus strand (A>G on the coding strand, the complement: PDLIM3 is on the minus strand). VCF-style: chr4-185506931-T-C. GRCh37 (hg19) VCF-style: chr4-186428085-T-C.
Other names: c.162-279A>G (NM_001257963.2); c.399-279A>G (NM_001257962.2); c.519-279A>G (NM_001114107.5).
Identifiers: ClinVar variation 671427 (VCV000671427.2), dbSNP rs138189986, ClinGen allele CA112044093.
Genomic context (GRCh38, chr4:185,506,931, plus strand): 5'-CCACACTCCTCCACTTGGCAAAATACTTTGGAAGGAAACTAAAAGATAATTGTCAGGAAA[T>C]AGTAATTAAGAAGAACAAGACTTGAGTCTGATGGATACATAATGATAGATGTGAACAAAA-3'

ClinVar aggregate classification (germline): Likely benign. Review status: criteria provided, multiple submitters, no conflicts (2 of 4 stars). 2 submissions from 2 submitters: Likely benign (2). Last evaluated 2018-06-16.

Allele frequency attached by ClinVar (database versions not stated): 1000 Genomes Project 30x 0.00781; 1000 Genomes Project 0.00799; TOPMed 0.00807; gnomAD 0.00811 and 0.00848; gnomAD exomes 0.01209.
gnomAD v4.1: 4,044 of 378,650 alleles (1.1%); highest among the groups gnomAD compares: Middle Eastern, 3%; 46 homozygotes.

Submissions (2):

GeneDx
Classification: Likely benign. Last evaluated: 2018-06-16. Review status: criteria provided, single submitter. Criteria: GeneDx Variant Classification (06012015). Collection method: clinical testing. Allele origin: germline. Affected: yes.
Comment: This variant is considered likely benign or benign based on one or more of the following criteria: it is a conservative change, it occurs at a poorly conserved position in the protein, it is predicted to be benign by multiple in silico algorithms, and/or has population frequency not consistent with disease.

Breakthrough Genomics
Classification: Likely benign. Review status: criteria provided, single submitter. Criteria: ACMG Guidelines, 2015. Collection method: not provided. Allele origin: germline. Inheritance: Unknown mechanism. Affected: yes.